The following is an entry in ClinVar:

NM_001365088.1(SLC12A6):c.2789T>A (p.Leu930Gln)

Gene: SLC12A6 (solute carrier family 12 member 6; minus strand). Cytogenetic location: 15q14.
Variant type: single nucleotide variant.
Coding change: c.2789T>A on transcript NM_001365088.1 (MANE Select); coding-DNA position 2789, T replaced by A.
Protein change: p.Leu930Gln; replaces leucine 930 with glutamine.
Molecular consequence: missense variant.
Genome position (GRCh38, 1-based): chr15:34,238,245, A>T on the plus strand (T>A on the coding strand, the complement: SLC12A6 is on the minus strand). VCF-style: chr15-34238245-A-T. GRCh37 (hg19) VCF-style: chr15-34530446-A-T.
Other names: c.2612T>A, p.Leu871Gln (NM_001042494.2, NM_001042495.2); c.2762T>A, p.Leu921Gln (NM_001042496.2); c.2744T>A, p.Leu915Gln (NM_001042497.2); c.2636T>A, p.Leu879Gln (NM_005135.2); c.2789T>A, p.Leu930Gln (NM_133647.2); short protein forms L871Q, L915Q, L930Q, L879Q, L921Q.
Identifiers: ClinVar variation 1523332 (VCV001523332.6), dbSNP rs2140649364, ClinGen allele CA391618729.

ClinVar aggregate classification (germline): Uncertain significance (1 of 4 stars; one submission).

Allele frequency attached by ClinVar (database versions not stated): gnomAD exomes below 0.00001.
gnomAD v4.1: 1 of 1,612,764 alleles (0.000062%); highest among the groups gnomAD compares: Admixed American, 0.0017%; no homozygotes.

Submission:

Labcorp Genetics (formerly Invitae), Labcorp
Classification: Uncertain significance. Last evaluated: 2024-04-22. Review status: criteria provided, single submitter. Criteria: Invitae Variant Classification Sherloc (09022015). Collection method: clinical testing. Allele origin: germline.
Comment: This sequence change replaces leucine, which is neutral and non-polar, with glutamine, which is neutral and polar, at codon 930 of the SLC12A6 protein (p.Leu930Gln). This variant is not present in population databases (gnomAD no frequency). This variant has not been reported in the literature in individuals affected with SLC12A6-related conditions. ClinVar contains an entry for this variant (Variation ID: 1523332). Advanced modeling of protein sequence and biophysical properties (such as structural, functional, and spatial information, amino acid conservation, physicochemical variation, residue mobility, and thermodynamic stability) performed at Invitae indicates that this missense variant is expected to disrupt SLC12A6 protein function with a positive predictive value of 80%. In summary, the available evidence is currently insufficient to determine the role of this variant in disease. Therefore, it has been classified as a Variant of Uncertain Significance.